The following is an entry in ClinVar:

ClinVar aggregate classification (germline): Pathogenic (1 of 4 stars; one submission).

Conditions:
Frontotemporal dementia and/or amyotrophic lateral sclerosis 4. Also called: FTDALS4. Identifiers: Orphanet 275872, MedGen C4225325, MONDO:0014641, OMIM 616439.

Submission:

Labcorp Genetics (formerly Invitae), Labcorp
Classification: Pathogenic for Frontotemporal dementia and/or amyotrophic lateral sclerosis 4. Last evaluated: 2021-08-20. Review status: criteria provided, single submitter. Criteria: Invitae Variant Classification Sherloc (09022015). Collection method: clinical testing. Allele origin: germline.
Comment: For these reasons, this variant has been classified as Pathogenic. This variant has not been reported in the literature in individuals affected with TBK1-related conditions. This variant is not present in population databases (ExAC no frequency). This sequence change creates a premature translational stop signal (p.Thr462Aspfs*15) in the TBK1 gene. It is expected to result in an absent or disrupted protein product. Loss-of-function variants in TBK1 are known to be pathogenic (PMID: 25803835, 26476236, 26581300).

Literature cited by the submitters: PubMed 25803835; PubMed 26476236; PubMed 26581300.

NM_013254.4(TBK1):c.1382dup (p.Thr462fs)

Gene: TBK1 (TANK binding kinase 1; plus strand). Cytogenetic location: 12q14.2.
Variant type: Duplication.
Coding change: c.1382dup on transcript NM_013254.4 (MANE Select); coding-DNA position 1382, one base duplicated (A; older notation c.1382dupA).
Protein change: p.Thr462fs; shifts the reading frame from threonine 462.
Molecular consequence: frameshift variant.
Genome position (GRCh38, 1-based): chr12:64,488,528, A duplicated; the last of 5 consecutive A bases (chr12:64,488,524-64,488,528); duplicating any one gives the same sequence. VCF-style (leftmost placement, unchanged base first): chr12-64488523-C-CA. GRCh37 (hg19) VCF-style: chr12-64882303-C-CA.
Other names: short protein forms T462fs.
Identifiers: ClinVar variation 1368046 (VCV001368046.6), dbSNP rs1178717934, ClinGen allele CA2573148944.